The following is an entry in ClinVar:

ClinVar aggregate classification (germline): Uncertain significance. Review status: criteria provided, multiple submitters, no conflicts (2 of 4 stars). 3 submissions from 3 submitters: Uncertain significance (3). Last evaluated 2024-08-08.

Conditions:
Inborn genetic diseases. Identifiers: MedGen C0950123, MeSH D030342.
Spastic paraplegia. Identifiers: MedGen C0037772, HP:0001258.

Allele frequency attached by ClinVar (database versions not stated): gnomAD exomes 0.00001 and 0.00002; ExAC 0.00004; gnomAD 0.00006; TOPMed 0.00006; ESP Exome Variant Server 0.00015.
gnomAD v4.1: 21 of 1,614,028 alleles (0.0013%); highest among the groups gnomAD compares: African/African-American, 0.017%; no homozygotes.

Submissions (3):

GeneDx
Classification: Uncertain significance. Last evaluated: 2024-08-08. Review status: criteria provided, single submitter. Criteria: GeneDx Variant Classification Process June 2021. Collection method: clinical testing. Allele origin: germline. Affected: yes.
Comment: In silico analysis indicates that this missense variant does not alter protein structure/function; Has not been previously published as pathogenic or benign to our knowledge

Ambry Genetics
Classification: Uncertain significance for Inborn genetic diseases. Last evaluated: 2024-01-17. Review status: criteria provided, single submitter. Criteria: Ambry Variant Classification Scheme 2023. Collection method: clinical testing. Allele origin: germline.

Labcorp Genetics (formerly Invitae), Labcorp
Classification: Uncertain significance for Spastic paraplegia. Last evaluated: 2021-08-20. Review status: criteria provided, single submitter. Criteria: Invitae Variant Classification Sherloc (09022015). Collection method: clinical testing. Allele origin: germline.
Comment: This sequence change replaces cysteine with tyrosine at codon 398 of the ZFYVE26 protein (p.Cys398Tyr). The cysteine residue is moderately conserved and there is a large physicochemical difference between cysteine and tyrosine. This variant is present in population databases (rs148051385, ExAC 0.04%). This variant has not been reported in the literature in individuals affected with ZFYVE26-related conditions. Algorithms developed to predict the effect of missense changes on protein structure and function are either unavailable or do not agree on the potential impact of this missense change (SIFT: "Tolerated"; PolyPhen-2: "Possibly Damaging"; Align-GVGD: "Class C0"). In summary, the available evidence is currently insufficient to determine the role of this variant in disease. Therefore, it has been classified as a Variant of Uncertain Significance.

NM_015346.4(ZFYVE26):c.1193G>A (p.Cys398Tyr)

Gene: ZFYVE26 (zinc finger FYVE-type containing 26; minus strand). Cytogenetic location: 14q24.1.
Variant type: single nucleotide variant.
Coding change: c.1193G>A on transcript NM_015346.4 (MANE Select); coding-DNA position 1193, G replaced by A.
Protein change: p.Cys398Tyr; replaces cysteine 398 with tyrosine.
Molecular consequence: missense variant.
Genome position (GRCh38, 1-based): chr14:67,805,295, C>T on the plus strand (G>A on the coding strand, the complement: ZFYVE26 is on the minus strand). VCF-style: chr14-67805295-C-T. GRCh37 (hg19) VCF-style: chr14-68272012-C-T.
Other names: c.1193G>A (NM_015346.3); short protein forms C398Y.
Identifiers: ClinVar variation 1406486 (VCV001406486.7), dbSNP rs148051385, ClinGen allele CA7240585.